The following is an entry in ClinVar:

ClinVar aggregate classification (germline): Uncertain significance (1 of 4 stars; one submission).

Conditions:
Parathyroid carcinoma (PRTC). Also called: CDC73-Related Parathyroid Carcinoma; Parathyroid gland carcinoma. Identifiers: Orphanet 143, MedGen C0687150, MONDO:0012004, OMIM 608266, HP:0006780.

Submission:

Labcorp Genetics (formerly Invitae), Labcorp
Classification: Uncertain significance for Parathyroid carcinoma. Last evaluated: 2022-06-20. Review status: criteria provided, single submitter. Criteria: Invitae Variant Classification Sherloc (09022015). Collection method: clinical testing. Allele origin: germline.
Comment: Algorithms developed to predict the effect of missense changes on protein structure and function (SIFT, PolyPhen-2, Align-GVGD) all suggest that this variant is likely to be tolerated. In summary, the available evidence is currently insufficient to determine the role of this variant in disease. Therefore, it has been classified as a Variant of Uncertain Significance. This variant is not present in population databases (gnomAD no frequency). This sequence change replaces valine, which is neutral and non-polar, with isoleucine, which is neutral and non-polar, at codon 428 of the CDC73 protein (p.Val428Ile). This variant has not been reported in the literature in individuals affected with CDC73-related conditions.

NM_024529.5(CDC73):c.1282G>A (p.Val428Ile)

Gene: CDC73 (cell division cycle 73; plus strand). Cytogenetic location: 1q31.2.
Variant type: single nucleotide variant.
Coding change: c.1282G>A on transcript NM_024529.5 (MANE Select); coding-DNA position 1282, G replaced by A.
Protein change: p.Val428Ile; replaces valine 428 with isoleucine.
Molecular consequence: missense variant.
Genome position (GRCh38, 1-based): chr1:193,233,120, G>A. VCF-style: chr1-193233120-G-A. GRCh37 (hg19) VCF-style: chr1-193202250-G-A.
Other names: short protein forms V428I.
Identifiers: ClinVar variation 2181797 (VCV002181797.4), dbSNP rs2527494143, ClinGen allele CA344077996.